The following is an entry in ClinVar:

NM_144997.7(FLCN):c.1432+3G>A

Gene: FLCN (folliculin; minus strand). Cytogenetic location: 17p11.2.
Variant type: single nucleotide variant.
Coding change: c.1432+3G>A on transcript NM_144997.7 (MANE Select); 3 bases into the intron after coding-DNA position 1432, G replaced by A.
Molecular consequence: intron variant.
Genome position (GRCh38, 1-based): chr17:17,215,182, C>T on the plus strand (G>A on the coding strand, the complement: FLCN is on the minus strand). VCF-style: chr17-17215182-C-T. GRCh37 (hg19) VCF-style: chr17-17118496-C-T.
Other names: c.1432+3G>A (NM_001353231.2, NM_001353230.2); c.1486+3G>A (NM_001353229.2).
Identifiers: ClinVar variation 2099342 (VCV002099342.4), dbSNP rs752730139, ClinGen allele CA2580092697.

ClinVar aggregate classification (germline): Uncertain significance (1 of 4 stars; one submission).

Conditions:
Birt-Hogg-Dube syndrome. Also called: Birt Hogg Dubé syndrome. Identifiers: Orphanet 122, MedGen C0346010, MONDO:0800444.

gnomAD v4.1: 2 of 1,614,102 alleles (0.00012%); highest among the groups gnomAD compares: Non-Finnish European, 0.00017%; no homozygotes.

Submission:

Labcorp Genetics (formerly Invitae), Labcorp
Classification: Uncertain significance for Birt-Hogg-Dube syndrome. Last evaluated: 2022-08-03. Review status: criteria provided, single submitter. Criteria: Invitae Variant Classification Sherloc (09022015). Collection method: clinical testing. Allele origin: germline.
Comment: This variant is not present in population databases (gnomAD no frequency). This variant has not been reported in the literature in individuals affected with FLCN-related conditions. Variants that disrupt the consensus splice site are a relatively common cause of aberrant splicing (PMID: 17576681, 9536098). RNA analysis performed to evaluate the impact of this variant on mRNA splicing indicates it does not significantly alter splicing (Invitae). In summary, the available evidence is currently insufficient to determine the role of this variant in disease. Therefore, it has been classified as a Variant of Uncertain Significance. This sequence change falls in intron 12 of the FLCN gene. It does not directly change the encoded amino acid sequence of the FLCN protein. It affects a nucleotide within the consensus splice site.

Literature cited by the submitters: PubMed 17576681; PubMed 9536098.